The following is an entry in ClinVar:

NM_015158.5(KANK1):c.2686G>C (p.Gly896Arg)

Gene: KANK1 (KN motif and ankyrin repeat domains 1; plus strand). Cytogenetic location: 9p24.3.
Variant type: single nucleotide variant.
Coding change: c.2686G>C on transcript NM_015158.5 (MANE Select); coding-DNA position 2686, G replaced by C.
Protein change: p.Gly896Arg; replaces glycine 896 with arginine.
Molecular consequence: missense variant. On other transcripts: non-coding transcript variant (1).
Genome position (GRCh38, 1-based): chr9:713,452, G>C. VCF-style: chr9-713452-G-C. GRCh37 (hg19) VCF-style: chr9-713452-G-C.
Other names: c.2686G>C, p.Gly896Arg (NM_001256876.3, NM_001256877.3, NM_001354331.2 and 2 more transcripts); c.2212G>C, p.Gly738Arg (NM_001354333.2, NM_153186.6, NM_001354335.2 and 9 more transcripts); c.2686G>C (NM_015158.2); short protein forms G738R, G896R.
Identifiers: ClinVar variation 1206150 (VCV001206150.22), dbSNP rs180806437, ClinGen allele CA4960572.

ClinVar aggregate classification (germline): Conflicting classifications of pathogenicity. Review status: criteria provided, conflicting classifications (1 of 4 stars). 6 submissions from 6 submitters: Uncertain significance (3); Likely benign (1). 2 of the submissions do not count toward it. Last evaluated 2025-12-19.

Allele frequency attached by ClinVar (database versions not stated): ExAC 0.00011; gnomAD exomes 0.00012 and 0.00018; TOPMed 0.00016; gnomAD 0.00017 and 0.00018; 1000 Genomes Project 30x 0.00031; 1000 Genomes Project 0.00040.
gnomAD v4.1: 224 of 1,589,780 alleles (0.014%); highest among the groups gnomAD compares: Middle Eastern, 0.07%; 1 homozygote.

Submissions (6):

Labcorp Genetics (formerly Invitae), Labcorp
Classification: Uncertain significance. Last evaluated: 2025-12-19. Review status: criteria provided, single submitter. Criteria: Invitae Variant Classification Sherloc (09022015). Collection method: clinical testing. Allele origin: germline.
Comment: This sequence change replaces glycine, which is neutral and non-polar, with arginine, which is basic and polar, at codon 896 of the KANK1 protein (p.Gly896Arg). This variant is present in population databases (rs180806437, gnomAD 0.08%), and has an allele count higher than expected for a pathogenic variant. This variant has not been reported in the literature in individuals affected with KANK1-related conditions. ClinVar contains an entry for this variant (Variation ID: 1206150). Invitae Evidence Modeling of protein sequence and biophysical properties (such as structural, functional, and spatial information, amino acid conservation, physicochemical variation, residue mobility, and thermodynamic stability) indicates that this missense variant is not expected to disrupt KANK1 protein function with a negative predictive value of 80%. In summary, the available evidence is currently insufficient to determine the role of this variant in disease. Therefore, it has been classified as a Variant of Uncertain Significance.

CeGaT Center for Human Genetics Tuebingen
Classification: Likely benign. Last evaluated: 2025-08-01. Review status: criteria provided, single submitter. Criteria: CeGaT Center For Human Genetics Tuebingen Variant Classification Criteria Version 2. Collection method: clinical testing. Allele origin: germline. Affected: yes. Observed: 2 variant alleles.
Comment: KANK1: BP4

Ambry Genetics
Classification: Uncertain significance. Last evaluated: 2022-03-28. Review status: criteria provided, single submitter. Criteria: Ambry Variant Classification Scheme 2023. Collection method: clinical testing. Allele origin: germline.

Breakthrough Genomics
Classification: Uncertain significance. Review status: criteria provided, single submitter. Criteria: ACMG Guidelines, 2015. Collection method: not provided. Allele origin: germline. Inheritance: Autosomal recessive inheritance. Affected: yes.

Genome Diagnostics Laboratory, University Medical Center Utrecht
Classification: Likely benign. Review status: no assertion criteria provided. Collection method: clinical testing. Allele origin: germline. Affected: yes. Study: VKGL Data-share Consensus. Not counted in ClinVar's aggregate classification.

Laboratory of Diagnostic Genome Analysis, Leiden University Medical Center (LUMC)
Classification: Likely benign. Review status: no assertion criteria provided. Collection method: clinical testing. Allele origin: germline. Affected: yes. Study: VKGL Data-share Consensus. Not counted in ClinVar's aggregate classification.